The following is an entry in ClinVar:

ClinVar aggregate classification (germline): Uncertain significance. Review status: criteria provided, multiple submitters, no conflicts (2 of 4 stars). 2 submissions from 2 submitters: Uncertain significance (2). Last evaluated 2025-09-11.

Conditions:
Inborn genetic diseases. Identifiers: MedGen C0950123, MeSH D030342.

Allele frequency attached by ClinVar (database versions not stated): gnomAD exomes 0.00001 and 0.00002; gnomAD 0.00002; TOPMed 0.00002; ExAC 0.00003.
gnomAD v4.1: 8 of 1,611,562 alleles (0.0005%); highest among the groups gnomAD compares: Admixed American, 0.01%; no homozygotes.

Submissions (2):

Ambry Genetics
Classification: Uncertain significance for Inborn genetic diseases. Last evaluated: 2025-09-11. Review status: criteria provided, single submitter. Criteria: Ambry Variant Classification Scheme 2023. Collection method: clinical testing. Allele origin: germline.

Labcorp Genetics (formerly Invitae), Labcorp
Classification: Uncertain significance. Last evaluated: 2022-07-14. Review status: criteria provided, single submitter. Criteria: Invitae Variant Classification Sherloc (09022015). Collection method: clinical testing. Allele origin: germline.
Comment: ClinVar contains an entry for this variant (Variation ID: 1468239). This sequence change replaces glycine, which is neutral and non-polar, with alanine, which is neutral and non-polar, at codon 430 of the FASTKD2 protein (p.Gly430Ala). This variant is present in population databases (rs749533851, gnomAD 0.01%). This variant has not been reported in the literature in individuals affected with FASTKD2-related conditions. Algorithms developed to predict the effect of missense changes on protein structure and function output the following: SIFT: "Tolerated"; PolyPhen-2: "Benign"; Align-GVGD: "Class C0". The alanine amino acid residue is found in multiple mammalian species, which suggests that this missense change does not adversely affect protein function. In summary, the available evidence is currently insufficient to determine the role of this variant in disease. Therefore, it has been classified as a Variant of Uncertain Significance.

NM_001136193.2(FASTKD2):c.1289G>C (p.Gly430Ala)

Gene: FASTKD2 (FAST kinase domains 2; plus strand). Cytogenetic location: 2q33.3.
Variant type: single nucleotide variant.
Coding change: c.1289G>C on transcript NM_001136193.2 (MANE Select); coding-DNA position 1289, G replaced by C.
Protein change: p.Gly430Ala; replaces glycine 430 with alanine.
Molecular consequence: missense variant.
Genome position (GRCh38, 1-based): chr2:206,774,259, G>C. VCF-style: chr2-206774259-G-C. GRCh37 (hg19) VCF-style: chr2-207638983-G-C.
Other names: c.1289G>C (NM_014929.3); c.1289G>C, p.Gly430Ala (NM_001136194.2, NM_014929.4); short protein forms G430A.
Identifiers: ClinVar variation 1468239 (VCV001468239.9), dbSNP rs749533851, ClinGen allele CA2075120.
Genomic context (GRCh38, chr2:206,774,259, plus strand): 5'-TTTTCCCTCAATTTTCTCTTTTTAAGGTTCTTTTTATCCTCATTTTATTTGAAAACCTTG[G>C]CTTTCGACCTGTTGGTTTAATGGACCTGTTTATGAAGAGAATAGTAGAGGATCCTGAATC-3'
Protein context (NP_001129665.1, residues 420-440): LFILILFENL[Gly430Ala]FRPVGLMDLF